The following is an entry in ClinVar:

NM_003072.5(SMARCA4):c.2049C>T (p.Pro683=)

Gene: SMARCA4 (SWI/SNF related BAF chromatin remodeling complex subunit ATPase 4; plus strand). Cytogenetic location: 19p13.2.
Variant type: single nucleotide variant.
Coding change: c.2049C>T on transcript NM_003072.5 (MANE Select); coding-DNA position 2049, C replaced by T.
Protein change: p.Pro683=; no amino-acid change (proline 683 retained).
Molecular consequence: synonymous variant. On other transcripts: non-coding transcript variant (1).
Genome position (GRCh38, 1-based): chr19:11,007,949, C>T. VCF-style: chr19-11007949-C-T. GRCh37 (hg19) VCF-style: chr19-11118625-C-T.
Other names: c.2049C>T, p.Pro683= (NM_001128844.3, NM_001128845.2, NM_001128846.2 and 5 more transcripts).
Identifiers: ClinVar variation 415157 (VCV000415157.45), dbSNP rs138878490, ClinGen allele CA9203995.

ClinVar aggregate classification (germline): Benign/Likely benign. Review status: criteria provided, multiple submitters, no conflicts (2 of 4 stars). 9 submissions from 9 submitters: Benign (2); Likely benign (6). 1 of the submissions does not count toward it. Last evaluated 2026-09-01.

Conditions:
Rhabdoid tumor predisposition syndrome 2 (RTPS2). Identifiers: Orphanet 231108, Orphanet 69077, MedGen C2750074, MONDO:0013224, OMIM 613325.
Hereditary cancer-predisposing syndrome. Also called: Hereditary Cancer Syndrome; Hereditary neoplastic syndrome; Neoplastic Syndromes, Hereditary; Tumor predisposition. Identifiers: Orphanet 140162, MedGen C0027672, MeSH D009386, MONDO:0015356.
SMARCA4-related disorder. Also called: SMARCA4-related condition.

Allele frequency attached by ClinVar (database versions not stated): gnomAD 0.00019 and 0.00022; gnomAD exomes 0.00008 and 0.00004; TOPMed 0.00028; ExAC 0.00009; 1000 Genomes Project 30x 0.00016; ESP Exome Variant Server 0.00077.
gnomAD v4.1: 84 of 1,613,546 alleles (0.0052%); highest among the groups gnomAD compares: African/African-American, 0.077%; no homozygotes.

Submissions (9):

CeGaT Center for Human Genetics Tuebingen
Classification: Likely benign. Last evaluated: 2026-09-01. Review status: criteria provided, single submitter. Criteria: CeGaT Center For Human Genetics Tuebingen Variant Classification Criteria Version 2. Collection method: clinical testing. Allele origin: germline. Affected: yes. Observed: 2 variant alleles.
Comment: SMARCA4: BP4, BP7

Myriad Genetics, Inc.
Classification: Benign for Rhabdoid tumor predisposition syndrome 2. Last evaluated: 2026-07-13. Review status: criteria provided, single submitter. Criteria: Myriad Autosomal Dominant, Autosomal Recessive and X-Linked Classification Criteria (2023). Collection method: clinical testing. Allele origin: unknown.
Comment: This variant is considered benign. This variant is a silent/synonymous amino acid change and it is not expected to impact splicing.

Labcorp Genetics (formerly Invitae), Labcorp
Classification: Likely benign for Rhabdoid tumor predisposition syndrome 2. Last evaluated: 2026-01-18. Review status: criteria provided, single submitter. Criteria: Invitae Variant Classification Sherloc (09022015). Collection method: clinical testing. Allele origin: germline.

ARUP Laboratories, Molecular Genetics and Genomics, ARUP Laboratories
Classification: Likely benign. Last evaluated: 2025-06-05. Review status: criteria provided, single submitter. Criteria: ARUP Molecular Germline Variant Investigation Process 2024. Collection method: clinical testing. Allele origin: germline.

Blueprint Genetics
Classification: Likely benign. Last evaluated: 2022-06-30. Review status: criteria provided, single submitter. Criteria: ACMG Guidelines, 2015. Collection method: clinical testing. Allele origin: germline.

Sema4
Classification: Benign for Hereditary cancer-predisposing syndrome. Last evaluated: 2022-01-12. Review status: criteria provided, single submitter. Criteria: Sema4 Curation Guidelines. Collection method: curation. Allele origin: germline.

GeneDx
Classification: Likely benign. Last evaluated: 2020-10-09. Review status: criteria provided, single submitter. Criteria: GeneDx Variant Classification Process June 2021. Collection method: clinical testing. Allele origin: germline. Affected: yes.

Ambry Genetics
Classification: Likely benign for Hereditary cancer-predisposing syndrome. Last evaluated: 2015-09-19. Review status: criteria provided, single submitter. Criteria: Ambry Variant Classification Scheme 2023. Collection method: clinical testing. Allele origin: germline.

PreventionGenetics, part of Exact Sciences
Classification: Likely benign for SMARCA4-related condition. Last evaluated: 2022-06-20. Review status: no assertion criteria provided. Collection method: clinical testing. Allele origin: germline. Not counted in ClinVar's aggregate classification.
Comment: This variant is classified as likely benign based on ACMG/AMP sequence variant interpretation guidelines (Richards et al. 2015 PMID: 25741868, with internal and published modifications).